The following is an entry in ClinVar:

NM_024706.5(ZNF668):c.737A>C (p.His246Pro)

Gene: ZNF668 (zinc finger protein 668; minus strand). Cytogenetic location: 16p11.2.
Variant type: single nucleotide variant.
Coding change: c.737A>C on transcript NM_024706.5 (MANE Select); coding-DNA position 737, A replaced by C.
Protein change: p.His246Pro; replaces histidine 246 with proline.
Molecular consequence: missense variant.
Genome position (GRCh38, 1-based): chr16:31,062,191, T>G on the plus strand (A>C on the coding strand, the complement: ZNF668 is on the minus strand). VCF-style: chr16-31062191-T-G. GRCh37 (hg19) VCF-style: chr16-31073512-T-G.
Other names: c.737A>C, p.His246Pro (NM_001172668.2, NM_001172670.2); c.806A>C, p.His269Pro (NM_001172669.2); short protein forms H269P, H246P.
Identifiers: ClinVar variation 5005574 (VCV005005574.2).

ClinVar aggregate classification (germline): Uncertain significance (1 of 4 stars; one submission).

Conditions:
Neurodevelopmental disorder with poor growth, large ears, and dysmorphic facies (NEDGEF). Identifiers: MedGen C5774288, MONDO:0859350, OMIM 620194.

Submission:

Juno Genomics, Hangzhou Juno Genomics, Inc
Classification: Uncertain significance for Neurodevelopmental disorder with poor growth, large ears, and dysmorphic facies. Review status: criteria provided, single submitter. Criteria: ACMG Guidelines, 2015. Collection method: clinical testing. Allele origin: germline.
Comment: Absent from controls (or at extremely low frequency if recessive) in Genome Aggregation Database.;Multiple lines of computational evidence support a deleterious effect on the gene or gene product.